The following is an entry in ClinVar:

ClinVar aggregate classification (germline): Pathogenic (1 of 4 stars; one submission).

Conditions:
Lynch syndrome. Identifiers: Orphanet 144, MedGen C4552100, MONDO:0005835. Disease mechanism: loss of function.

Submission:

Labcorp Genetics (formerly Invitae), Labcorp
Classification: Pathogenic for Hereditary nonpolyposis colorectal neoplasms. Last evaluated: 2016-09-05. Review status: criteria provided, single submitter. Criteria: Invitae Variant Classification Sherloc (09022015). Collection method: clinical testing. Allele origin: germline.
Comment: This variant is a gross deletion of the genomic region encompassing exons 2-9 of the PMS2 gene. This creates a premature translational stop signal and is expected to result in an absent or disrupted protein product. Gross deletions and loss-of-function variants in PMS2 are known to be pathogenic. This particular variant has been reported in an individual who underwent genetic testing for PMS2-related hereditary cancer (PMID: 26320870). For these reasons, this variant has been classified as Pathogenic.

NC_000007.14:g.(?_5991973)_(6006031_?)del

Gene: PMS2 (PMS1 homolog 2, mismatch repair system component; minus strand). Cytogenetic location: 7p22.1.
Variant type: Deletion.
Identifiers: ClinVar variation 417546 (VCV000417546.1).